The following is an entry in ClinVar:

ClinVar aggregate classification (germline): Uncertain significance. Review status: criteria provided, multiple submitters, no conflicts (2 of 4 stars). 2 submissions from 2 submitters: Uncertain significance (2). Last evaluated 2024-07-12.

Conditions:
TP63-Related Spectrum Disorders.
ADULT syndrome. Also called: ACRO-DERMATO-UNGUAL-LACRIMAL-TOOTH SYNDROME; Acro-dermato-ungual-lacrimal-tooth (adult) syndrome; Acro-Dermo-Ungual-Lacrimal-Tooth Syndrome (ADULT Syndrome). Identifiers: Orphanet 978, MedGen C1863204, MONDO:0007072, OMIM 103285.
Rapp-Hodgkin syndrome (RHS). Also called: ECTODERMAL DYSPLASIA, ANHIDROTIC, WITH CLEFT LIP/PALATE; Rapp-Hodgkin ectodermal dysplasia syndrome; Isolated Cleft Lip/Cleft Palate (Orofacial Cleft 8). Identifiers: MedGen C1785148, MONDO:0007508, OMIM 129400.
Ankyloblepharon-ectodermal defects-cleft lip/palate syndrome. Also called: Hay-Wells syndrome of ectodermal dysplasia; AEC SYNDROME; HAY-WELLS SYNDROME; Ankyloblepharon-ectodermal defects, cleft lip/palate; Ankyloblepharon-Ectodermal Defects-Cleft Lip/Palate Syndrome (AEC Syndrome). Identifiers: Orphanet 1071, MedGen C0406709, MONDO:0007124, OMIM 106260.
Ectrodactyly, ectodermal dysplasia, and cleft lip-palate syndrome 3. Also called: Ectrodactyly, Ectodermal Dysplasia, Clefting Syndrome; EEC SYNDROME 3; Ectrodactyly, Ectodermal Dysplasia, Cleft Lip/Palate Syndrome 3 (EEC3); Ectrodactyly, Ectodermal Dysplasia, Clefting Syndrome Type 3 (EEC3). Identifiers: Orphanet 1896, MedGen C1858562, MONDO:0011428, OMIM 604292.
Split hand-foot malformation 4. Also called: Split-Hand/Foot Malformation Type 4 (SHFM4); Split-Hand/Foot Malformation Type 4 (SHFM4 syndrome). Identifiers: Orphanet 2440, MedGen C1854442, MONDO:0011535, OMIM 605289.
Limb-mammary syndrome (LMS). Also called: Mammary hypoplasia, ectrodactyly, and other hand/foot anomalies. Identifiers: Orphanet 69085, MedGen C1863753, MONDO:0011334, OMIM 603543.
Orofacial cleft 8. Also called: Cleft lip with or without cleft palate, nonsyndromic, 8. Identifiers: MedGen C1851878, MONDO:0029145, OMIM 618149.

Allele frequency attached by ClinVar (database versions not stated): gnomAD exomes 0.00002; TOPMed 0.00002; ExAC 0.00003; 1000 Genomes Project 30x 0.00031; 1000 Genomes Project 0.00040; gnomAD 0.00001 and 0.00003.
gnomAD v4.1: 8 of 1,613,456 alleles (0.0005%); highest among the groups gnomAD compares: East Asian, 0.018%; no homozygotes.

Submissions (2):

Labcorp Genetics (formerly Invitae), Labcorp
Classification: Uncertain significance. Last evaluated: 2024-07-12. Review status: criteria provided, single submitter. Criteria: Invitae Variant Classification Sherloc (09022015). Collection method: clinical testing. Allele origin: germline.
Comment: This sequence change replaces threonine, which is neutral and polar, with alanine, which is neutral and non-polar, at codon 538 of the TP63 protein (p.Thr538Ala). This variant is present in population databases (rs565094952, gnomAD 0.02%). This missense change has been observed in individual(s) with primary ovarian insufficiency (PMID: 36856110). ClinVar contains an entry for this variant (Variation ID: 1494162). Advanced modeling performed at Invitae incorporating data from internal and/or published experimental studies (Invitae) indicates that this missense variant is not expected to disrupt TP63 function with a negative predictive value of 80%. Experimental studies have shown that this missense change affects TP63 function (PMID: 24309930, 36856110). In summary, the available evidence is currently insufficient to determine the role of this variant in disease. Therefore, it has been classified as a Variant of Uncertain Significance.

Fulgent Genetics
Classification: Uncertain significance for ADULT syndrome; Ankyloblepharon-ectodermal defects-cleft lip/palate syndrome; Rapp-Hodgkin syndrome; Limb-mammary syndrome; Ectrodactyly, ectodermal dysplasia, and cleft lip-palate syndrome 3; Split hand-foot malformation 4; Orofacial cleft 8. Last evaluated: 2021-11-12. Review status: criteria provided, single submitter. Criteria: ACMG Guidelines, 2015. Collection method: clinical testing. Allele origin: unknown.

Literature cited by the submitters: PubMed 36856110 (cited by Labcorp Genetics (formerly Invitae), Labcorp); PubMed 24309930 (cited by Labcorp Genetics (formerly Invitae), Labcorp).

NM_003722.5(TP63):c.1612A>G (p.Thr538Ala)

Gene: TP63 (tumor protein p63; plus strand). Cytogenetic location: 3q28.
Variant type: single nucleotide variant.
Coding change: c.1612A>G on transcript NM_003722.5 (MANE Select); coding-DNA position 1612, A replaced by G.
Protein change: p.Thr538Ala; replaces threonine 538 with alanine.
Molecular consequence: missense variant. On other transcripts: intron variant (4).
Genome position (GRCh38, 1-based): chr3:189,889,444, A>G. VCF-style: chr3-189889444-A-G. GRCh37 (hg19) VCF-style: chr3-189607233-A-G.
Other names: c.1612A>G, p.Thr538Ala (NM_001114978.2); c.1330A>G, p.Thr444Ala (NM_001114980.2, NM_001114981.2); c.1075A>G, p.Thr359Ala (NM_001329146.2); c.1600A>G, p.Thr534Ala (NM_001329148.2); c.1606A>G, p.Thr536Ala (NM_001329964.2); c.1507+2893A>G (NM_001329144.2); c.1225+2893A>G (NM_001329145.2); c.1213+2893A>G (NM_001329149.2); and 1 more; short protein forms T536A, T359A, T444A, T534A, T538A.
Identifiers: ClinVar variation 1494162 (VCV001494162.8), dbSNP rs565094952, ClinGen allele CA2752531.